The following is an entry in ClinVar:

NM_024753.5(TTC21B):c.3495G>A (p.Thr1165=)

Gene: TTC21B (tetratricopeptide repeat domain 21B; minus strand). Cytogenetic location: 2q24.3.
Variant type: single nucleotide variant.
Coding change: c.3495G>A on transcript NM_024753.5 (MANE Select); coding-DNA position 3495, G replaced by A.
Protein change: p.Thr1165=; no amino-acid change (threonine 1165 retained).
Molecular consequence: synonymous variant.
Genome position (GRCh38, 1-based): chr2:165,883,983, C>T on the plus strand (G>A on the coding strand, the complement: TTC21B is on the minus strand). VCF-style: chr2-165883983-C-T. GRCh37 (hg19) VCF-style: chr2-166740493-C-T.
Identifiers: ClinVar variation 514939 (VCV000514939.10), dbSNP rs147524050, ClinGen allele CA1941482.

ClinVar aggregate classification (germline): Likely benign. Review status: criteria provided, multiple submitters, no conflicts (2 of 4 stars). 4 submissions from 4 submitters: Likely benign (4). Last evaluated 2025-03-17.

Conditions:
TTC21B-related disorder. Also called: TTC21B-related condition; TTC21B-related disorders.
Jeune thoracic dystrophy. Also called: Jeune syndrome; Infantile thoracic dystrophy; Thoracic pelvic phalangeal dystrophy; Jeune's syndrome; Chondroectodermal dysplasia-like syndrome; Short-rib thoracic dysplasia. Identifiers: Orphanet 474, MedGen C0265275, MONDO:0018770.
Nephronophthisis. Also called: Juvenile Nephronophthisis. Identifiers: Orphanet 655, MedGen C0687120, MONDO:0019005, HP:0000090.

Allele frequency attached by ClinVar (database versions not stated): gnomAD exomes 0.00002 and 0.00004; ExAC 0.00003; TOPMed 0.00006; gnomAD 0.00007 and 0.00008; ESP Exome Variant Server 0.00015.

Submissions (4):

PreventionGenetics, part of Exact Sciences
Classification: Likely benign for TTC21B-related condition. Last evaluated: 2025-03-17. Review status: criteria provided, single submitter. Criteria: ACMG Guidelines, 2015. Collection method: clinical testing. Allele origin: germline.
Comment: This variant is classified as likely benign based on ACMG/AMP sequence variant interpretation guidelines (Richards et al. 2015 PMID: 25741868, with internal and published modifications).

Labcorp Genetics (formerly Invitae), Labcorp
Classification: Likely benign for Jeune thoracic dystrophy; Nephronophthisis. Last evaluated: 2024-12-16. Review status: criteria provided, single submitter. Criteria: Invitae Variant Classification Sherloc (09022015). Collection method: clinical testing. Allele origin: germline.

Blueprint Genetics
Classification: Likely benign. Last evaluated: 2021-09-15. Review status: criteria provided, single submitter. Criteria: ACMG Guidelines, 2015. Collection method: clinical testing. Allele origin: germline.

GeneDx
Classification: Likely benign. Last evaluated: 2018-01-18. Review status: criteria provided, single submitter. Criteria: GeneDx Variant Classification (06012015). Collection method: clinical testing. Allele origin: germline. Affected: yes.
Comment: This variant is considered likely benign or benign based on one or more of the following criteria: it is a conservative change, it occurs at a poorly conserved position in the protein, it is predicted to be benign by multiple in silico algorithms, and/or has population frequency not consistent with disease.